The following is an entry in ClinVar:

NM_003640.5(ELP1):c.1601_1608delinsA (p.Ala534fs)

Gene: ELP1 (elongator acetyltransferase complex subunit 1; minus strand). Cytogenetic location: 9q31.3.
Variant type: Indel.
Coding change: c.1601_1608delinsA on transcript NM_003640.5 (MANE Select); coding-DNA positions 1601 to 1608, CTTCTTCT replaced by A.
Protein change: p.Ala534fs; shifts the reading frame from alanine 534.
Molecular consequence: frameshift variant.
Genome position (GRCh38, 1-based): chr9:108,906,338-108,906,345, AGAAGAAG replaced by T on the plus strand (CTTCTTCT replaced by A on the coding strand, the reverse complement: ELP1 is on the minus strand). VCF-style: chr9-108906338-AGAAGAAG-T. GRCh37 (hg19) VCF-style: chr9-111668618-AGAAGAAG-T.
Other names: c.1259_1266delinsA, p.Ala420fs (NM_001318360.2); c.554_561delinsA, p.Ala185fs (NM_001330749.2); short protein forms A185fs, A420fs, A534fs.
Identifiers: ClinVar variation 5011466 (VCV005011466.1).
Genomic context (GRCh38, chr9:108,906,338, plus strand): 5'-GGAGTACAGGGAAAAACTGCAATACCTGACATTGAGCTGTCCATGCTCTTCATCCATCTC[AGAAGAAG>T]CTGCAGTCAAATGGTGAATGACAGACCGGGGGCTGAACTCACTGTGGCTTACAGCCAGGA-3'

ClinVar aggregate classification (germline): Pathogenic (1 of 4 stars; one submission).

Conditions:
Familial dysautonomia. Also called: HSAN III; FD. Identifiers: Orphanet 1764, MedGen C0013364, MONDO:0009131, OMIM 223900. Disease mechanism: loss of function.

Submission:

Myriad Genetics, Inc.
Classification: Pathogenic for Familial dysautonomia. Last evaluated: 2023-08-23. Review status: criteria provided, single submitter. Criteria: Myriad Autosomal Dominant, Autosomal Recessive and X-Linked Classification Criteria (2023). Collection method: clinical testing. Allele origin: unknown.
Comment: NM_003640.3(ELP1):c.1601_1608del8ins1(A534Efs*22) is expected to be pathogenic in the context of familial dysautonomia. This variant is predicted to lead to an abnormal or absent protein product due to the creation of a premature termination codon in ELP1, a gene where loss-of-function variants are known to be pathogenic. Please note: this variant was assessed in the context of healthy population screening.